The following is an entry in ClinVar:

NM_001903.5(CTNNA1):c.861A>G (p.Lys287=)

Gene: CTNNA1 (catenin alpha 1; plus strand). Cytogenetic location: 5q31.2.
Variant type: single nucleotide variant.
Coding change: c.861A>G on transcript NM_001903.5 (MANE Select); coding-DNA position 861, A replaced by G.
Protein change: p.Lys287=; no amino-acid change (lysine 287 retained).
Molecular consequence: synonymous variant.
Genome position (GRCh38, 1-based): chr5:138,827,517, A>G. VCF-style: chr5-138827517-A-G. GRCh37 (hg19) VCF-style: chr5-138163206-A-G.
Other names: c.861A>G, p.Lys287= (NM_001290307.3, NM_001323982.2, NM_001323983.1 and 3 more transcripts); c.552A>G, p.Lys184= (NM_001290309.3); c.492A>G, p.Lys164= (NM_001290310.3).
Identifiers: ClinVar variation 754617 (VCV000754617.14), dbSNP rs1581178124, ClinGen allele CA446595320.

ClinVar aggregate classification (germline): Benign/Likely benign. Review status: criteria provided, multiple submitters, no conflicts (2 of 4 stars). 3 submissions from 3 submitters: Benign (1); Likely benign (2). Last evaluated 2024-10-10.

Conditions:
Hereditary cancer-predisposing syndrome. Also called: Tumor predisposition; Hereditary Cancer Syndrome; Neoplastic Syndromes, Hereditary; Hereditary neoplastic syndrome. Identifiers: Orphanet 140162, MedGen C0027672, MeSH D009386, MONDO:0015356.
Hereditary diffuse gastric adenocarcinoma (HDGC). Also called: DIFFUSE GASTRIC AND LOBULAR BREAST CANCER SYNDROME. Identifiers: Orphanet 26106, MedGen C1708349, MONDO:0007648, OMIM 137215.

Allele frequency attached by ClinVar (database versions not stated): gnomAD exomes below 0.00001.
gnomAD v4.1: 1 of 1,614,222 alleles (0.000062%); highest among the groups gnomAD compares: Non-Finnish European, 0.000085%; no homozygotes.

Submissions (3):

Myriad Genetics, Inc.
Classification: Benign for Hereditary diffuse gastric adenocarcinoma. Last evaluated: 2024-10-10. Review status: criteria provided, single submitter. Criteria: Myriad Autosomal Dominant, Autosomal Recessive and X-Linked Classification Criteria (2023). Collection method: clinical testing. Allele origin: unknown.
Comment: This variant is considered benign. This variant is a silent/synonymous amino acid change and it is not expected to impact splicing.

Labcorp Genetics (formerly Invitae), Labcorp
Classification: Likely benign. Last evaluated: 2022-03-17. Review status: criteria provided, single submitter. Criteria: Invitae Variant Classification Sherloc (09022015). Collection method: clinical testing. Allele origin: germline.

Ambry Genetics
Classification: Likely benign for Hereditary cancer-predisposing syndrome. Last evaluated: 2019-03-06. Review status: criteria provided, single submitter. Criteria: Ambry Variant Classification Scheme 2023. Collection method: clinical testing. Allele origin: germline.